The following is an entry in ClinVar:

NM_000180.4(GUCY2D):c.2113+1G>A

Gene: GUCY2D (guanylate cyclase 2D, retinal; plus strand). Cytogenetic location: 17p13.1.
Variant type: single nucleotide variant.
Coding change: c.2113+1G>A on transcript NM_000180.4 (MANE Select); the canonical splice donor site of the intron after coding-DNA position 2113, G replaced by A.
Molecular consequence: splice donor variant.
Genome position (GRCh38, 1-based): chr17:8,012,607, G>A. VCF-style: chr17-8012607-G-A. GRCh37 (hg19) VCF-style: chr17-7915925-G-A.
Identifiers: ClinVar variation 2925606 (VCV002925606.3), dbSNP rs2545424362, ClinGen allele CA397952680.

ClinVar aggregate classification (germline): Pathogenic (1 of 4 stars; one submission).

Conditions:
Leber congenital amaurosis 1 (LCA1). Also called: RETINAL BLINDNESS, CONGENITAL; Congenital absence of the rods and cones; Leber's congenital tapetoretinal degeneration; Leber's congenital tapetoretinal dysplasia; AMAUROSIS CONGENITA OF LEBER I. Identifiers: Orphanet 65, MedGen C2931258, MONDO:0008764, OMIM 204000.
Cone-rod dystrophy 6 (CORD6). Also called: RETINAL CONE DYSTROPHY 2; Cone dystrophy progressive. Identifiers: Orphanet 1872, MedGen C1866293, MONDO:0011143, OMIM 601777.

Allele frequency attached by ClinVar (database versions not stated): gnomAD exomes below 0.00001.

Submission:

Labcorp Genetics (formerly Invitae), Labcorp
Classification: Pathogenic for Leber congenital amaurosis 1; Cone-rod dystrophy 6. Last evaluated: 2023-06-15. Review status: criteria provided, single submitter. Criteria: Invitae Variant Classification Sherloc (09022015). Collection method: clinical testing. Allele origin: germline.
Comment: For these reasons, this variant has been classified as Pathogenic. Algorithms developed to predict the effect of sequence changes on RNA splicing suggest that this variant may disrupt the consensus splice site. Disruption of this splice site has been observed in individuals with autosomal recessive GUCY2D-related conditions (PMID: 26047050, 34048777). This variant is not present in population databases (gnomAD no frequency). This sequence change affects a donor splice site in intron 10 of the GUCY2D gene. It is expected to disrupt RNA splicing. Variants that disrupt the donor or acceptor splice site typically lead to a loss of protein function (PMID: 16199547), and loss-of-function variants in GUCY2D are known to be pathogenic (PMID: 10951519, 11328726).

Literature cited by the submitters: PubMed 26047050; PubMed 34048777; PubMed 16199547; PubMed 10951519; PubMed 11328726.